The following is an entry in ClinVar:

ClinVar aggregate classification (germline): Likely benign (1 of 4 stars; one submission).

Conditions:
ALMS1-related disorder. Also called: ALMS1-related condition.

Submission:

PreventionGenetics, part of Exact Sciences
Classification: Likely benign for ALMS1-related condition. Last evaluated: 2026-03-03. Review status: criteria provided, single submitter. Criteria: ACMG Guidelines, 2015. Collection method: clinical testing. Allele origin: germline.
Comment: This variant is classified as likely benign based on ACMG/AMP sequence variant interpretation guidelines (Richards et al. 2015 PMID: 25741868, with internal and published modifications).

NM_001378454.1(ALMS1):c.11058T>C (p.His3686=)

Gene: ALMS1 (ALMS1 centrosome and basal body associated protein; plus strand). Cytogenetic location: 2p13.1.
Variant type: single nucleotide variant.
Coding change: c.11058T>C on transcript NM_001378454.1 (MANE Select); coding-DNA position 11058, T replaced by C.
Protein change: p.His3686=; no amino-acid change (histidine 3686 retained).
Molecular consequence: synonymous variant.
Genome position (GRCh38, 1-based): chr2:73,572,935, T>C. VCF-style: chr2-73572935-T-C. GRCh37 (hg19) VCF-style: chr2-73800062-T-C.
Other names: c.11061T>C, p.His3687= (NM_015120.4).
Identifiers: ClinVar variation 4989926 (VCV004989926.1).